The following is an entry in ClinVar:

NM_183050.4(BCKDHB):c.508_513del (p.Arg170_Ser171del)

Gene: BCKDHB (branched chain keto acid dehydrogenase E1 subunit beta; plus strand). Cytogenetic location: 6q14.1.
Variant type: Deletion.
Coding change: c.508_513del on transcript NM_183050.4 (MANE Select); coding-DNA positions 508 to 513, 6 bases deleted (CGCTCT; older notation c.508_513delCGCTCT).
Protein change: p.Arg170_Ser171del.
Molecular consequence: inframe deletion. On other transcripts: non-coding transcript variant (6).
Genome position (GRCh38, 1-based): chr6:80,168,905-80,168,910, CGCTCT deleted; deleting any 6 consecutive bases within chr6:80,168,904-80,168,910 gives the same sequence; the c. name uses the placement nearest the transcript's 3' end. VCF-style (leftmost placement, unchanged base first): chr6-80168903-ATCGCTC-A. GRCh37 (hg19) VCF-style: chr6-80878620-ATCGCTC-A.
Other names: c.508_513del, p.Arg170_Ser171del (NM_000056.5, NM_001424035.1, NM_001424036.1 and 8 more transcripts); c.298_303del, p.Arg100_Ser101del (NM_001318975.1, NM_001424043.1).
Identifiers: ClinVar variation 2798369 (VCV002798369.3), dbSNP rs2481898172, ClinGen allele CA2739273285.

ClinVar aggregate classification (germline): Pathogenic (1 of 4 stars; one submission).

Conditions:
Maple syrup urine disease (MSUD). Identifiers: Orphanet 511, MedGen C0024776, MeSH D008375, MONDO:0009563. Disease mechanism: loss of function.

Submission:

Labcorp Genetics (formerly Invitae), Labcorp
Classification: Pathogenic for Maple syrup urine disease. Last evaluated: 2023-03-17. Review status: criteria provided, single submitter. Criteria: Invitae Variant Classification Sherloc (09022015). Collection method: clinical testing. Allele origin: germline.
Comment: This variant, c.508_513del, results in the deletion of 2 amino acid(s) of the BCKDHB protein (p.Arg170_Ser171del), but otherwise preserves the integrity of the reading frame. This variant is not present in population databases (gnomAD no frequency). This variant has not been reported in the literature in individuals affected with BCKDHB-related conditions. This variant disrupts a region of the BCKDHB protein in which other variant(s) (p.Arg170Cys) have been determined to be pathogenic (PMID: 25381949, 26453840, 27682710, 29307017). This suggests that this is a clinically significant region of the protein, and that variants that disrupt it are likely to be disease-causing. For these reasons, this variant has been classified as Pathogenic.

Literature cited by the submitters: PubMed 25381949; PubMed 26453840; PubMed 27682710; PubMed 29307017.